The following is an entry in ClinVar:

ClinVar aggregate classification (germline): Likely benign (0 of 4 stars; one submission).

Conditions:
ARHGEF28-related disorder. Also called: ARHGEF28-related condition.

gnomAD v4.1: 1 of 1,612,668 alleles (0.000062%); highest among the groups gnomAD compares: Non-Finnish European, 0.000085%; no homozygotes.

Submission:

PreventionGenetics, part of Exact Sciences
Classification: Likely benign for ARHGEF28-related condition. Last evaluated: 2024-07-12. Review status: no assertion criteria provided. Collection method: clinical testing. Allele origin: germline.
Comment: This variant is classified as likely benign based on ACMG/AMP sequence variant interpretation guidelines (Richards et al. 2015 PMID: 25741868, with internal and published modifications).

NM_001177693.2(ARHGEF28):c.828C>T (p.Ala276=)

Gene: ARHGEF28 (Rho guanine nucleotide exchange factor 28; plus strand). Cytogenetic location: 5q13.2.
Variant type: single nucleotide variant.
Coding change: c.828C>T on transcript NM_001177693.2 (MANE Select); coding-DNA position 828, C replaced by T.
Protein change: p.Ala276=; no amino-acid change (alanine 276 retained).
Molecular consequence: synonymous variant.
Genome position (GRCh38, 1-based): chr5:73,776,684, C>T. VCF-style: chr5-73776684-C-T. GRCh37 (hg19) VCF-style: chr5-73072509-C-T.
Other names: c.828C>T, p.Ala276= (NM_001080479.3, NM_001388078.1); c.534C>T, p.Ala178= (NM_001388076.1).
Identifiers: ClinVar variation 3355911 (VCV003355911.1).